The following is an entry in ClinVar:

ClinVar aggregate classification (germline): Benign. Review status: criteria provided, multiple submitters, no conflicts (2 of 4 stars). 3 submissions from 3 submitters: Benign (2). 1 of the submissions does not count toward it. Last evaluated 2025-10-24.

Conditions:
ARCN1-related disorder. Also called: ARCN1-related condition.

Allele frequency attached by ClinVar (database versions not stated): ESP Exome Variant Server 0.00015; gnomAD 0.00057 and 0.00091; TOPMed 0.00065; gnomAD exomes 0.00089 and 0.00208; ExAC 0.00215; 1000 Genomes Project 30x 0.00453; 1000 Genomes Project 0.00479.

Submissions (3):

Labcorp Genetics (formerly Invitae), Labcorp
Classification: Benign. Last evaluated: 2025-10-24. Review status: criteria provided, single submitter. Criteria: Invitae Variant Classification Sherloc (09022015). Collection method: clinical testing. Allele origin: germline.

CeGaT Center for Human Genetics Tuebingen
Classification: Benign. Last evaluated: 2025-03-01. Review status: criteria provided, single submitter. Criteria: CeGaT Center For Human Genetics Tuebingen Variant Classification Criteria Version 2. Collection method: clinical testing. Allele origin: germline. Affected: yes. Observed: 1 variant allele.
Comment: ARCN1: BS1, BS2

PreventionGenetics, part of Exact Sciences
Classification: Benign for ARCN1-related condition. Last evaluated: 2024-08-13. Review status: no assertion criteria provided. Collection method: clinical testing. Allele origin: germline. Not counted in ClinVar's aggregate classification.
Comment: This variant is classified as benign based on ACMG/AMP sequence variant interpretation guidelines (Richards et al. 2015 PMID: 25741868, with internal and published modifications).

NM_001655.5(ARCN1):c.16G>T (p.Ala6Ser)

Gene: ARCN1 (archain 1 coat protein complex I subunit delta; plus strand). Cytogenetic location: 11q23.3.
Variant type: single nucleotide variant.
Coding change: c.16G>T on transcript NM_001655.5 (MANE Select); coding-DNA position 16, G replaced by T.
Protein change: p.Ala6Ser; replaces alanine 6 with serine.
Molecular consequence: missense variant. On other transcripts: intron variant (1).
Genome position (GRCh38, 1-based): chr11:118,581,258, G>T. VCF-style: chr11-118581258-G-T. GRCh37 (hg19) VCF-style: chr11-118451973-G-T.
Other names: c.4-1921G>T (NM_001142281.2); short protein forms A6S.
Identifiers: ClinVar variation 718665 (VCV000718665.19), dbSNP rs138863361, ClinGen allele CA6305997.
Genomic context (GRCh38, chr11:118,581,258, plus strand): 5'-AGATGTGAAGAAATAATTAGTACTTACTTATGCATATGTTCCTGGCAGGTGCTGTTGGCA[G>T]CAGCGGTCTGCACAAAAGCAGGAAAGGCTATTGTTTCTCGACAGTTTGTGGAAATGACCC-3'
Protein context (NP_001646.2, residues 1-16): MVLLA[Ala6Ser]AVCTKAGKAI